The following is an entry in ClinVar:

NM_182914.3(SYNE2):c.19646A>G (p.Glu6549Gly)

Gene: SYNE2 (spectrin repeat containing nuclear envelope protein 2; plus strand). Cytogenetic location: 14q23.2.
Variant type: single nucleotide variant.
Coding change: c.19646A>G on transcript NM_182914.3 (MANE Select); coding-DNA position 19646, A replaced by G.
Protein change: p.Glu6549Gly; replaces glutamic acid 6549 with glycine.
Molecular consequence: missense variant.
Genome position (GRCh38, 1-based): chr14:64,218,501, A>G. VCF-style: chr14-64218501-A-G. GRCh37 (hg19) VCF-style: chr14-64685219-A-G.
Other names: c.19577A>G, p.Glu6526Gly (NM_015180.6); c.170A>G, p.Glu57Gly (NM_182910.2); c.548A>G, p.Glu183Gly (NM_182913.4); short protein forms E6549G, E183G, E57G, E6526G.
Identifiers: ClinVar variation 582917 (VCV000582917.8), dbSNP rs1567679516, ClinGen allele CA389962785.
Genomic context (GRCh38, chr14:64,218,501, plus strand): 5'-GCCCGCGAGTCCTGAATGGCAACCCACAGCAGGAAGACGGGGGACTGGCCGGTATCACAG[A>G]GCAGCAGTCAGGTACTGCCTGTAACTGGCAGTCGTCCAGAGAGGCAGAGTATGGTATTTA-3'
Protein context (NP_878918.2, residues 6539-6559): QEDGGLAGIT[Glu6549Gly]QQSGAFDRWE

ClinVar aggregate classification (germline): Uncertain significance (1 of 4 stars; one submission).

Conditions:
Emery-Dreifuss muscular dystrophy 5, autosomal dominant (EDMD5). Also called: EMERY-DREIFUSS MUSCULAR DYSTROPHY 5. Identifiers: Orphanet 261, MedGen C2751805, MONDO:0013072, OMIM 612999.

Submission:

Labcorp Genetics (formerly Invitae), Labcorp
Classification: Uncertain significance for Emery-Dreifuss muscular dystrophy 5, autosomal dominant. Last evaluated: 2022-02-03. Review status: criteria provided, single submitter. Criteria: Invitae Variant Classification Sherloc (09022015). Collection method: clinical testing. Allele origin: germline.
Comment: This sequence change replaces glutamic acid, which is acidic and polar, with glycine, which is neutral and non-polar, at codon 6549 of the SYNE2 protein (p.Glu6549Gly). In summary, the available evidence is currently insufficient to determine the role of this variant in disease. Therefore, it has been classified as a Variant of Uncertain Significance. Algorithms developed to predict the effect of missense changes on protein structure and function output the following: SIFT: "Tolerated"; PolyPhen-2: "Benign"; Align-GVGD: "Class C0". The glycine amino acid residue is found in multiple mammalian species, which suggests that this missense change does not adversely affect protein function. ClinVar contains an entry for this variant (Variation ID: 582917). This variant has not been reported in the literature in individuals affected with SYNE2-related conditions. This variant is not present in population databases (gnomAD no frequency).